The following is an entry in ClinVar:

ClinVar aggregate classification (germline): Uncertain significance (1 of 4 stars; one submission).

Conditions:
Perry syndrome. Also called: PARKINSONISM WITH ALVEOLAR HYPOVENTILATION AND MENTAL DEPRESSION. Identifiers: Orphanet 178509, MedGen C1868594, MONDO:0008201, OMIM 168605.
Neuronopathy, distal hereditary motor, type 7B. Also called: Distal Hereditary Motor Neuronopathy Type 7B (dHMN7B); NEURONOPATHY, DISTAL HEREDITARY MOTOR, AUTOSOMAL DOMINANT 14; NEURONOPATHY, DISTAL HEREDITARY MOTOR, HARDING TYPE VIIB; NEUROPATHY, DISTAL HEREDITARY MOTOR, HARDING TYPE VIIB; NEUROPATHY, DISTAL HEREDITARY MOTOR, WITH VOCAL CORD PARALYSIS, HARDING TYPE VIIB; HMN VIIB. Identifiers: Orphanet 139589, MedGen C1843315, MONDO:0011879, OMIM 607641.
Amyotrophic lateral sclerosis type 1 (ALS1). Also called: AMYOTROPHIC LATERAL SCLEROSIS 1, FAMILIAL. Identifiers: Orphanet 803, MedGen C1862939, MONDO:0007103, OMIM 105400.

Submission:

Labcorp Genetics (formerly Invitae), Labcorp
Classification: Uncertain significance for Amyotrophic lateral sclerosis type 1; Neuronopathy, distal hereditary motor, type 7B; Perry syndrome. Last evaluated: 2020-01-23. Review status: criteria provided, single submitter. Criteria: Invitae Variant Classification Sherloc (09022015). Collection method: clinical testing. Allele origin: germline.
Comment: In summary, the available evidence is currently insufficient to determine the role of this variant in disease. Therefore, it has been classified as a Variant of Uncertain Significance. The current clinical and genetic evidence is not sufficient to establish whether loss-of-function variants in DCTN1 cause disease. This variant has not been reported in the literature in individuals with DCTN1-related conditions. A gross deletion of the genomic region encompassing the full coding sequence of the DCTN1 gene has been identified. The boundaries of this event are unknown as the deletion extends beyond the assayed region for this gene and therefore may encompass additional genes.

NC_000002.11:g.(?_74588271)_(74607174_?)del

Gene: DCTN1 (dynactin subunit 1; minus strand). Cytogenetic location: 2p13.1.
Variant type: Deletion.
Identifiers: ClinVar variation 1015285 (VCV001015285.3).